The following is an entry in ClinVar:

ClinVar aggregate classification (germline): Uncertain significance (1 of 4 stars; one submission).

gnomAD v4.1: 1 of 1,613,592 alleles (0.000062%); no homozygotes.

Submission:

Labcorp Genetics (formerly Invitae), Labcorp
Classification: Uncertain significance. Last evaluated: 2022-07-14. Review status: criteria provided, single submitter. Criteria: Invitae Variant Classification Sherloc (09022015). Collection method: clinical testing. Allele origin: germline.
Comment: This sequence change replaces isoleucine, which is neutral and non-polar, with valine, which is neutral and non-polar, at codon 892 of the LRP5 protein (p.Ile892Val). This variant is not present in population databases (gnomAD no frequency). This variant has not been reported in the literature in individuals affected with LRP5-related conditions. Advanced modeling of protein sequence and biophysical properties (such as structural, functional, and spatial information, amino acid conservation, physicochemical variation, residue mobility, and thermodynamic stability) performed at Invitae indicates that this missense variant is not expected to disrupt LRP5 protein function. In summary, the available evidence is currently insufficient to determine the role of this variant in disease. Therefore, it has been classified as a Variant of Uncertain Significance.

NM_002335.4(LRP5):c.2674A>G (p.Ile892Val)

Gene: LRP5 (LDL receptor related protein 5; plus strand). Cytogenetic location: 11q13.2.
Variant type: single nucleotide variant.
Coding change: c.2674A>G on transcript NM_002335.4 (MANE Select); coding-DNA position 2674, A replaced by G.
Protein change: p.Ile892Val; replaces isoleucine 892 with valine.
Molecular consequence: missense variant.
Genome position (GRCh38, 1-based): chr11:68,413,859, A>G. VCF-style: chr11-68413859-A-G. GRCh37 (hg19) VCF-style: chr11-68181327-A-G.
Other names: c.931A>G, p.Ile311Val (NM_001291902.2); short protein forms I311V, I892V.
Identifiers: ClinVar variation 2015963 (VCV002015963.4), dbSNP rs2098660986, ClinGen allele CA381618706.